The following is an entry in ClinVar:

ClinVar aggregate classification (germline): Uncertain significance (1 of 4 stars; one submission).

Submission:

Labcorp Genetics (formerly Invitae), Labcorp
Classification: Uncertain significance. Last evaluated: 2022-07-21. Review status: criteria provided, single submitter. Criteria: Invitae Variant Classification Sherloc (09022015). Collection method: clinical testing. Allele origin: germline.
Comment: In summary, the available evidence is currently insufficient to determine the role of this variant in disease. Therefore, it has been classified as a Variant of Uncertain Significance. Algorithms developed to predict the effect of missense changes on protein structure and function are either unavailable or do not agree on the potential impact of this missense change (SIFT: "Tolerated"; PolyPhen-2: "Probably Damaging"; Align-GVGD: "Class C0"). This variant has not been reported in the literature in individuals affected with MNX1-related conditions. This variant is not present in population databases (gnomAD no frequency). This sequence change replaces glycine, which is neutral and non-polar, with alanine, which is neutral and non-polar, at codon 335 of the MNX1 protein (p.Gly335Ala).

NM_005515.4(MNX1):c.1004G>C (p.Gly335Ala)

Gene: MNX1 (motor neuron and pancreas homeobox 1; minus strand). Cytogenetic location: 7q36.3.
Variant type: single nucleotide variant.
Coding change: c.1004G>C on transcript NM_005515.4 (MANE Select); coding-DNA position 1004, G replaced by C.
Protein change: p.Gly335Ala; replaces glycine 335 with alanine.
Molecular consequence: missense variant.
Genome position (GRCh38, 1-based): chr7:157,005,722, C>G on the plus strand (G>C on the coding strand, the complement: MNX1 is on the minus strand). VCF-style: chr7-157005722-C-G. GRCh37 (hg19) VCF-style: chr7-156798416-C-G.
Other names: c.368G>C, p.Gly123Ala (NM_001165255.2); short protein forms G123A, G335A.
Identifiers: ClinVar variation 1722292 (VCV001722292.5), dbSNP rs2537771746, ClinGen allele CA370161639.